The following is an entry in ClinVar:

NM_000426.4(LAMA2):c.841A>G (p.Ile281Val)

Gene: LAMA2 (laminin subunit alpha 2; plus strand). Cytogenetic location: 6q22.33.
Variant type: single nucleotide variant.
Coding change: c.841A>G on transcript NM_000426.4 (MANE Select); coding-DNA position 841, A replaced by G.
Protein change: p.Ile281Val; replaces isoleucine 281 with valine.
Molecular consequence: missense variant.
Genome position (GRCh38, 1-based): chr6:129,146,980, A>G. VCF-style: chr6-129146980-A-G. GRCh37 (hg19) VCF-style: chr6-129468125-A-G.
Other names: c.841A>G, p.Ile281Val (NM_001079823.2); short protein forms I281V.
Identifiers: ClinVar variation 2153714 (VCV002153714.1), dbSNP rs2482596123, ClinGen allele CA365606314.
Genomic context (GRCh38, chr6:129,146,980, plus strand): 5'-TCATCTTAACAGGATTTCTCTCTGGATTGCTTTTTGCAGTATTACTACTCGGTCAAGGAT[A>G]TTTCAGTTGGAGGGATGTGCATCTGCTATGGTCATGCCAGGGCTTGTCCACTTGATCCAG-3'
Protein context (NP_000417.3, residues 271-291): TRRYYYSVKD[Ile281Val]SVGGMCICYG

ClinVar aggregate classification (germline): Uncertain significance (1 of 4 stars; one submission).

Conditions:
LAMA2-related muscular dystrophy (LAMA2-RD). Also called: Laminin alpha 2-related dystrophy. Identifiers: MedGen C5679788, MONDO:0100228.

Submission:

Labcorp Genetics (formerly Invitae), Labcorp
Classification: Uncertain significance for LAMA2-related muscular dystrophy. Last evaluated: 2021-12-22. Review status: criteria provided, single submitter. Criteria: Invitae Variant Classification Sherloc (09022015). Collection method: clinical testing. Allele origin: germline.
Comment: This sequence change replaces isoleucine, which is neutral and non-polar, with valine, which is neutral and non-polar, at codon 281 of the LAMA2 protein (p.Ile281Val). This variant is not present in population databases (gnomAD no frequency). This variant has not been reported in the literature in individuals affected with LAMA2-related conditions. Advanced modeling of protein sequence and biophysical properties (such as structural, functional, and spatial information, amino acid conservation, physicochemical variation, residue mobility, and thermodynamic stability) performed at Invitae indicates that this missense variant is not expected to disrupt LAMA2 protein function. In summary, the available evidence is currently insufficient to determine the role of this variant in disease. Therefore, it has been classified as a Variant of Uncertain Significance.